The following is an entry in ClinVar:

NM_144997.7(FLCN):c.1279C>G (p.Pro427Ala)

Gene: FLCN (folliculin; minus strand). Cytogenetic location: 17p11.2.
Variant type: single nucleotide variant.
Coding change: c.1279C>G on transcript NM_144997.7 (MANE Select); coding-DNA position 1279, C replaced by G.
Protein change: p.Pro427Ala; replaces proline 427 with alanine.
Molecular consequence: missense variant.
Genome position (GRCh38, 1-based): chr17:17,216,401, G>C on the plus strand (C>G on the coding strand, the complement: FLCN is on the minus strand). VCF-style: chr17-17216401-G-C. GRCh37 (hg19) VCF-style: chr17-17119715-G-C.
Other names: c.1333C>G, p.Pro445Ala (NM_001353229.2); c.1279C>G, p.Pro427Ala (NM_001353230.2, NM_001353231.2); short protein forms P427A, P445A.
Identifiers: ClinVar variation 3710797 (VCV003710797.1).
Genomic context (GRCh38, chr17:17,216,401, plus strand): 5'-AGCGCAGGGCATGGCCCCACAGCCCGCGGGGGCACGCACCTGAGGAGAGCACGTGGGGGG[G>C]GATCTGCACGTGCGGGCTGAGCCCCAGGAAGTTGCACCGATAGGCCTCCTCGTACTGGCT-3'
Protein context (NP_659434.2, residues 417-437): FLGLSPHVQI[Pro427Ala]PHVLSSEFAV

ClinVar aggregate classification (germline): Uncertain significance (1 of 4 stars; one submission).

Conditions:
Birt-Hogg-Dube syndrome. Also called: Birt Hogg Dubé syndrome. Identifiers: Orphanet 122, MedGen C0346010, MONDO:0800444.

gnomAD v4.1: 1 of 1,613,620 alleles (0.000062%); no homozygotes.

Submission:

Labcorp Genetics (formerly Invitae), Labcorp
Classification: Uncertain significance for Birt-Hogg-Dube syndrome. Last evaluated: 2024-06-24. Review status: criteria provided, single submitter. Criteria: Invitae Variant Classification Sherloc (09022015). Collection method: clinical testing. Allele origin: germline.
Comment: This sequence change replaces proline, which is neutral and non-polar, with alanine, which is neutral and non-polar, at codon 427 of the FLCN protein (p.Pro427Ala). This variant is present in population databases (no rsID available, gnomAD 0.005%). This variant has not been reported in the literature in individuals affected with FLCN-related conditions. Advanced modeling of protein sequence and biophysical properties (such as structural, functional, and spatial information, amino acid conservation, physicochemical variation, residue mobility, and thermodynamic stability) performed at Invitae indicates that this missense variant is expected to disrupt FLCN protein function with a positive predictive value of 80%. In summary, the available evidence is currently insufficient to determine the role of this variant in disease. Therefore, it has been classified as a Variant of Uncertain Significance.